The following is an entry in ClinVar:

NM_000051.4(ATM):c.2391G>A (p.Lys797=)

Gene: ATM (ATM serine/threonine kinase; plus strand). Cytogenetic location: 11q22.3.
Variant type: single nucleotide variant.
Coding change: c.2391G>A on transcript NM_000051.4 (MANE Select); coding-DNA position 2391, G replaced by A.
Protein change: p.Lys797=; no amino-acid change (lysine 797 retained).
Molecular consequence: synonymous variant.
Genome position (GRCh38, 1-based): chr11:108,259,000, G>A. VCF-style: chr11-108259000-G-A. GRCh37 (hg19) VCF-style: chr11-108129727-G-A.
Other names: c.2391G>A, p.Lys797= (NM_001351834.2).
Identifiers: ClinVar variation 3253887 (VCV003253887.1), dbSNP rs1323675187.

ClinVar aggregate classification (germline): Benign (1 of 4 stars; one submission).

Conditions:
Familial cancer of breast. Also called: BREAST CANCER, FAMILIAL; Hereditary breast cancer; hereditary breast carcinoma. Identifiers: Orphanet 227535, MedGen C0346153, MONDO:0016419, OMIM 114480. Disease mechanism: loss of function.

Allele frequency attached by ClinVar (database versions not stated): gnomAD exomes below 0.00001.
gnomAD v4.1: 1 of 1,613,638 alleles (0.000062%); highest among the groups gnomAD compares: South Asian, 0.0011%; no homozygotes.

Submission:

Myriad Genetics, Inc.
Classification: Benign for Familial cancer of breast. Last evaluated: 2024-05-08. Review status: criteria provided, single submitter. Criteria: Myriad Autosomal Dominant, Autosomal Recessive and X-Linked Classification Criteria (2023). Collection method: clinical testing. Allele origin: unknown.
Comment: This variant is considered benign. This variant is a silent/synonymous amino acid change and it is not expected to impact splicing.